The following is an entry in ClinVar:

ClinVar aggregate classification (germline): Uncertain significance. Review status: criteria provided, multiple submitters, no conflicts (2 of 4 stars). 2 submissions from 2 submitters: Uncertain significance (2). Last evaluated 2023-12-11.

Conditions:
Congenital disorder of deglycosylation (CDDG). Identifiers: MedGen C3808991, MONDO:0031376.

Allele frequency attached by ClinVar (database versions not stated): gnomAD exomes 0.00001 and 0.00002; gnomAD 0.00002; TOPMed 0.00002.
gnomAD v4.1: 20 of 1,613,718 alleles (0.0012%); highest among the groups gnomAD compares: Admixed American, 0.0067%; no homozygotes.

Submissions (2):

Labcorp Genetics (formerly Invitae), Labcorp
Classification: Uncertain significance for Congenital disorder of deglycosylation. Last evaluated: 2023-12-11. Review status: criteria provided, single submitter. Criteria: Invitae Variant Classification Sherloc (09022015). Collection method: clinical testing. Allele origin: germline.
Comment: This sequence change replaces cysteine, which is neutral and slightly polar, with serine, which is neutral and polar, at codon 320 of the NGLY1 protein (p.Cys320Ser). This variant is present in population databases (no rsID available, gnomAD 0.01%). This variant has not been reported in the literature in individuals affected with NGLY1-related conditions. ClinVar contains an entry for this variant (Variation ID: 999751). Advanced modeling of protein sequence and biophysical properties (such as structural, functional, and spatial information, amino acid conservation, physicochemical variation, residue mobility, and thermodynamic stability) has been performed at Invitae for this missense variant, however the output from this modeling did not meet the statistical confidence thresholds required to predict the impact of this variant on NGLY1 protein function. In summary, the available evidence is currently insufficient to determine the role of this variant in disease. Therefore, it has been classified as a Variant of Uncertain Significance.

GeneDx
Classification: Uncertain significance. Last evaluated: 2022-03-09. Review status: criteria provided, single submitter. Criteria: GeneDx Variant Classification Process June 2021. Collection method: clinical testing. Allele origin: germline. Affected: yes.
Comment: Not observed at significant frequency in large population cohorts (gnomAD); In silico analysis supports that this missense variant has a deleterious effect on protein structure/function; Has not been previously published as pathogenic or benign to our knowledge

NM_018297.4(NGLY1):c.959G>C (p.Cys320Ser)

Gene: NGLY1 (N-glycanase 1; minus strand). Cytogenetic location: 3p24.2.
Variant type: single nucleotide variant.
Coding change: c.959G>C on transcript NM_018297.4 (MANE Select); coding-DNA position 959, G replaced by C.
Protein change: p.Cys320Ser; replaces cysteine 320 with serine.
Molecular consequence: missense variant.
Genome position (GRCh38, 1-based): chr3:25,737,378, C>G on the plus strand (G>C on the coding strand, the complement: NGLY1 is on the minus strand). VCF-style: chr3-25737378-C-G. GRCh37 (hg19) VCF-style: chr3-25778869-C-G.
Other names: c.959G>C, p.Cys320Ser (NM_001145293.2, NM_001145295.2); c.833G>C, p.Cys278Ser (NM_001145294.2); short protein forms C278S, C320S.
Identifiers: ClinVar variation 999751 (VCV000999751.5), dbSNP rs1332390500, ClinGen allele CA351901965.